The following is an entry in ClinVar:

ClinVar aggregate classification (germline): Benign (0 of 4 stars; one submission).

Conditions:
EFCAB5-related disorder. Also called: EFCAB5-related condition.

Allele frequency attached by ClinVar (database versions not stated): ExAC 0.52753; gnomAD exomes 0.54035; 1000 Genomes Project 0.57069; 1000 Genomes Project 30x 0.58276; gnomAD 0.62204; TOPMed 0.62565; ESP Exome Variant Server 0.64601.
gnomAD v4.1: 884,602 of 1,613,104 alleles (55%); highest among the groups gnomAD compares: African/African-American, 88%; 249,867 homozygotes.

Submission:

PreventionGenetics, part of Exact Sciences
Classification: Benign for EFCAB5-related condition. Last evaluated: 2019-10-17. Review status: no assertion criteria provided. Collection method: clinical testing. Allele origin: germline.
Comment: This variant is classified as benign based on ACMG/AMP sequence variant interpretation guidelines (Richards et al. 2015 PMID: 25741868, with internal and published modifications).

NM_198529.4(EFCAB5):c.3303T>G (p.Gly1101=)

Gene: EFCAB5 (EF-hand calcium binding domain 5; plus strand). Cytogenetic location: 17q11.2.
Variant type: single nucleotide variant.
Coding change: c.3303T>G on transcript NM_198529.4 (MANE Select); coding-DNA position 3303, T replaced by G.
Protein change: p.Gly1101=; no amino-acid change (glycine 1101 retained).
Molecular consequence: synonymous variant.
Genome position (GRCh38, 1-based): chr17:30,080,858, T>G. VCF-style: chr17-30080858-T-G. GRCh37 (hg19) VCF-style: chr17-28407876-T-G.
Identifiers: ClinVar variation 3059423 (VCV003059423.2), dbSNP rs7221743, ClinGen allele CA8479242.